The following is an entry in ClinVar:

ClinVar aggregate classification (germline): Uncertain significance (1 of 4 stars; one submission).

Conditions:
Congenital myotonia, autosomal recessive form. Also called: BECKER DISEASE; myotonia congenita, autosomal recessive; Becker Generalized Myotonia. Identifiers: Orphanet 614, MedGen C0751360, MONDO:0009715, OMIM 255700.

Submission:

Neuberg Centre For Genomic Medicine, NCGM
Classification: Uncertain significance for Congenital myotonia, autosomal recessive form. Last evaluated: 2023-02-14. Review status: criteria provided, single submitter. Criteria: ACMG Guidelines, 2015. Collection method: clinical testing. Allele origin: germline. Inheritance: Autosomal recessive inheritance. Affected: yes.
Comment: The splice region synonymous c.180G>A (p.Gln60) variant in CLCN1 gene has not been reported previously as a pathogenic variant nor as a benign variant, to our knowledge. The c.180G>A variant is novel (not in any individuals) in gnomAD Exomes and 1000 Genomes. This variant has not been reported to the ClinVar database. The splice AI predicts a donor loss (0.11), therefore functional studies will be required to prove the pathogenicity of this variant. For these reasons, this variant has been classified as Variant of Uncertain Significance (VUS).

NM_000083.3(CLCN1):c.180G>A (p.Gln60=)

Gene: CLCN1 (chloride voltage-gated channel 1; plus strand). Cytogenetic location: 7q34.
Variant type: single nucleotide variant.
Coding change: c.180G>A on transcript NM_000083.3 (MANE Select); coding-DNA position 180, G replaced by A.
Protein change: p.Gln60=; no amino-acid change (glutamine 60 retained).
Molecular consequence: synonymous variant. On other transcripts: non-coding transcript variant (1).
Genome position (GRCh38, 1-based): chr7:143,316,392, G>A. VCF-style: chr7-143316392-G-A. GRCh37 (hg19) VCF-style: chr7-143013485-G-A.
Identifiers: ClinVar variation 2671637 (VCV002671637.1), dbSNP rs1296103687, ClinGen allele CA458290159.